The following is an entry in ClinVar:

ClinVar aggregate classification (germline): Uncertain significance (1 of 4 stars; one submission).

Allele frequency attached by ClinVar (database versions not stated): ExAC 0.00001.

Submission:

Labcorp Genetics (formerly Invitae), Labcorp
Classification: Uncertain significance. Last evaluated: 2024-08-12. Review status: criteria provided, single submitter. Criteria: Invitae Variant Classification Sherloc (09022015). Collection method: clinical testing. Allele origin: germline.
Comment: This sequence change replaces alanine, which is neutral and non-polar, with threonine, which is neutral and polar, at codon 38 of the ICOSLG protein (p.Ala38Thr). This variant is present in population databases (rs768853378, gnomAD 0.007%). This variant has not been reported in the literature in individuals affected with ICOSLG-related conditions. ClinVar contains an entry for this variant (Variation ID: 1960182). An algorithm developed to predict the effect of missense changes on protein structure and function outputs the following: PolyPhen-2: "Benign". The threonine amino acid residue is found in multiple mammalian species, which suggests that this missense change does not adversely affect protein function. In summary, the available evidence is currently insufficient to determine the role of this variant in disease. Therefore, it has been classified as a Variant of Uncertain Significance.

NM_015259.6(ICOSLG):c.112G>A (p.Ala38Thr)

Gene: ICOSLG (inducible T cell costimulator ligand; minus strand). Cytogenetic location: 21q22.3.
Variant type: single nucleotide variant.
Coding change: c.112G>A on transcript NM_015259.6 (MANE Select); coding-DNA position 112, G replaced by A.
Protein change: p.Ala38Thr; replaces alanine 38 with threonine.
Molecular consequence: missense variant. On other transcripts: intron variant (2).
Genome position (GRCh38, 1-based): chr21:44,237,161, C>T on the plus strand (G>A on the coding strand, the complement: ICOSLG is on the minus strand). VCF-style: chr21-44237161-C-T. GRCh37 (hg19) VCF-style: chr21-45657044-C-T.
Other names: c.112G>A, p.Ala38Thr (NM_001283050.2, NM_001395918.1); c.31G>A, p.Ala11Thr (NM_001365759.2); c.55+1287G>A (NM_001283051.2); c.-48-96G>A (NM_001283052.2); short protein forms A11T, A38T.
Identifiers: ClinVar variation 1960182 (VCV001960182.5), dbSNP rs768853378, ClinGen allele CA321498387.
Genomic context (GRCh38, chr21:44,237,161, plus strand): 5'-CACTGGTTTGCCAATATACGTAAACATCATTTAAATCAAAACGGCTTCCTTCAGGGCAAG[C>T]GCAGCTGAGCTCCACGTCGCTGCCTACCATCGCTCTGACTTCCTTCTCCTGAGTATCTGC-3'
Protein context (NP_056074.1, residues 28-48): MVGSDVELSC[Ala38Thr]CPEGSRFDLN